The following is an entry in ClinVar:

NM_006269.2(RP1):c.4314T>A (p.Asp1438Glu)

Gene: RP1 (RP1 axonemal microtubule associated; plus strand). Cytogenetic location: 8q12.1.
Variant type: single nucleotide variant.
Coding change: c.4314T>A on transcript NM_006269.2 (MANE Select); coding-DNA position 4314, T replaced by A.
Protein change: p.Asp1438Glu; replaces aspartic acid 1438 with glutamic acid.
Molecular consequence: missense variant. On other transcripts: intron variant (1).
Genome position (GRCh38, 1-based): chr8:54,628,196, T>A. VCF-style: chr8-54628196-T-A. GRCh37 (hg19) VCF-style: chr8-55540756-T-A.
Other names: c.787+5908T>A (NM_001375654.1); short protein forms D1438E.
Identifiers: ClinVar variation 1430121 (VCV001430121.6), dbSNP rs1175357628, ClinGen allele CA370981928.

ClinVar aggregate classification (germline): Uncertain significance (1 of 4 stars; one submission).

Allele frequency attached by ClinVar (database versions not stated): gnomAD exomes below 0.00001.
gnomAD v4.1: 2 of 1,614,056 alleles (0.00012%); highest among the groups gnomAD compares: Non-Finnish European, 0.00017%; no homozygotes.

Submission:

Labcorp Genetics (formerly Invitae), Labcorp
Classification: Uncertain significance. Last evaluated: 2023-07-29. Review status: criteria provided, single submitter. Criteria: Invitae Variant Classification Sherloc (09022015). Collection method: clinical testing. Allele origin: germline.
Comment: In summary, the available evidence is currently insufficient to determine the role of this variant in disease. Therefore, it has been classified as a Variant of Uncertain Significance. An algorithm developed to predict the effect of missense changes on protein structure and function (PolyPhen-2) suggests that this variant is likely to be tolerated. ClinVar contains an entry for this variant (Variation ID: 1430121). This variant has not been reported in the literature in individuals affected with RP1-related conditions. This variant is present in population databases (no rsID available, gnomAD 0.0009%). This sequence change replaces aspartic acid, which is acidic and polar, with glutamic acid, which is acidic and polar, at codon 1438 of the RP1 protein (p.Asp1438Glu).